The following is an entry in ClinVar:

NM_152594.3(SPRED1):c.207+15A>G

Gene: SPRED1 (sprouty related EVH1 domain containing 1; plus strand). Cytogenetic location: 15q14.
Variant type: single nucleotide variant.
Coding change: c.207+15A>G on transcript NM_152594.3 (MANE Select); 15 bases into the intron after coding-DNA position 207, A replaced by G.
Molecular consequence: intron variant.
Genome position (GRCh38, 1-based): chr15:38,299,562, A>G. VCF-style: chr15-38299562-A-G. GRCh37 (hg19) VCF-style: chr15-38591763-A-G.
Identifiers: ClinVar variation 385742 (VCV000385742.12), dbSNP rs377288061, ClinGen allele CA7470010.

ClinVar aggregate classification (germline): Benign/Likely benign. Review status: criteria provided, multiple submitters, no conflicts (2 of 4 stars). 4 submissions from 4 submitters: Benign (2); Likely benign (2). Last evaluated 2026-02-02.

Conditions:
Legius syndrome. Identifiers: Orphanet 137605, MedGen C1969623, MONDO:0012669, OMIM 611431. Disease mechanism: loss of function.

Allele frequency attached by ClinVar (database versions not stated): gnomAD exomes 0.00013; ExAC 0.00017; 1000 Genomes Project 30x 0.00047; ESP Exome Variant Server 0.00054; 1000 Genomes Project 0.00060; gnomAD 0.00068 and 0.00073; TOPMed 0.00090.
gnomAD v4.1: 188 of 1,609,074 alleles (0.012%); highest among the groups gnomAD compares: African/African-American, 0.21%; no homozygotes.

Submissions (4):

Labcorp Genetics (formerly Invitae), Labcorp
Classification: Benign for Legius syndrome. Last evaluated: 2026-02-02. Review status: criteria provided, single submitter. Criteria: Invitae Variant Classification Sherloc (09022015). Collection method: clinical testing. Allele origin: germline.

Blueprint Genetics
Classification: Likely benign. Last evaluated: 2024-11-20. Review status: criteria provided, single submitter. Criteria: ACMG Guidelines, 2015. Collection method: clinical testing. Allele origin: germline.

Women's Health and Genetics/Laboratory Corporation of America, LabCorp
Classification: Benign. Last evaluated: 2021-05-24. Review status: criteria provided, single submitter. Criteria: LabCorp Variant Classification Summary - May 2015. Collection method: clinical testing. Allele origin: germline.
Comment: Variant summary: SPRED1 c.207+15A>G alters a non-conserved nucleotide located close to a canonical splice site and therefore could affect mRNA splicing, leading to a significantly altered protein sequence. 4/4 computational tools predict no significant impact on normal splicing. However, these predictions have yet to be confirmed by functional studies. The variant allele was found at a frequency of 0.00013 in 249582 control chromosomes. The observed variant frequency is approximately 22 fold of the estimated maximal expected allele frequency for a pathogenic variant in SPRED1 causing Neurofibromatosis Type 1-Like Syndrome (Legius Syndrome) phenotype (5.6e-06), strongly suggesting that the variant is benign. To our knowledge, no occurrence of c.207+15A>G in individuals affected with Neurofibromatosis Type 1-Like Syndrome (Legius Syndrome) and no experimental evidence demonstrating its impact on protein function have been reported. At-least one co-occurrence with another pathogenic variant has been observed at our laboratory (PTPN11 c.188A>G , p.Tyr63Cys), providing supporting evidence for a benign role. One clinical diagnostic laboratory has submitted clinical-significance assessments for this variant to ClinVar after 2014 without evidence for independent evaluation and classified the variant as likely benign. Based on the evidence outlined above, the variant was classified as benign.

GeneDx
Classification: Likely benign. Last evaluated: 2021-02-23. Review status: criteria provided, single submitter. Criteria: GeneDx Variant Classification Process June 2021. Collection method: clinical testing. Allele origin: germline. Affected: yes.